The following is an entry in ClinVar:

ClinVar aggregate classification (germline): Uncertain significance. Review status: criteria provided, multiple submitters, no conflicts (2 of 4 stars). 2 submissions from 2 submitters: Uncertain significance (2). Last evaluated 2025-11-18.

Conditions:
Gastrointestinal stromal tumor. Also called: Gastrointestinal stromal tumor, somatic; Gastrointestinal stroma tumor. Identifiers: Orphanet 44890, MedGen C0238198, MeSH D046152, MONDO:0011719, OMIM 606764, HP:0100723.
Hereditary cancer-predisposing syndrome. Also called: Neoplastic Syndromes, Hereditary; Tumor predisposition; Hereditary Cancer Syndrome; Hereditary neoplastic syndrome. Identifiers: Orphanet 140162, MedGen C0027672, MeSH D009386, MONDO:0015356.

Allele frequency attached by ClinVar (database versions not stated): gnomAD exomes 0.00001 and 0.00002; ExAC 0.00004.
gnomAD v4.1: 10 of 1,614,116 alleles (0.00062%); highest among the groups gnomAD compares: Non-Finnish European, 0.00085%; no homozygotes.

Submissions (2):

Labcorp Genetics (formerly Invitae), Labcorp
Classification: Uncertain significance for Gastrointestinal stromal tumor. Last evaluated: 2025-11-18. Review status: criteria provided, single submitter. Criteria: Invitae Variant Classification Sherloc (09022015). Collection method: clinical testing. Allele origin: germline.
Comment: This sequence change replaces serine, which is neutral and polar, with phenylalanine, which is neutral and non-polar, at codon 965 of the KIT protein (p.Ser965Phe). This variant is present in population databases (rs201185750, gnomAD 0.005%). This variant has not been reported in the literature in individuals affected with KIT-related conditions. ClinVar contains an entry for this variant (Variation ID: 657544). An algorithm developed to predict the effect of missense changes on protein structure and function (PolyPhen-2) suggests that this variant is likely to be disruptive. In summary, the available evidence is currently insufficient to determine the role of this variant in disease. Therefore, it has been classified as a Variant of Uncertain Significance.

Ambry Genetics
Classification: Uncertain significance for Hereditary cancer-predisposing syndrome. Last evaluated: 2025-03-28. Review status: criteria provided, single submitter. Criteria: Ambry Variant Classification Scheme 2023. Collection method: clinical testing. Allele origin: germline.
Comment: The p.S965F variant (also known as c.2894C>T), located in coding exon 21 of the KIT gene, results from a C to T substitution at nucleotide position 2894. The serine at codon 965 is replaced by phenylalanine, an amino acid with highly dissimilar properties. This amino acid position is well conserved in available vertebrate species. In addition, the in silico prediction for this alteration is inconclusive. Since supporting evidence is limited at this time, the clinical significance of this alteration remains unclear.

NM_000222.3(KIT):c.2894C>T (p.Ser965Phe)

Gene: KIT (KIT proto-oncogene, receptor tyrosine kinase; plus strand). Cytogenetic location: 4q12.
Variant type: single nucleotide variant.
Coding change: c.2894C>T on transcript NM_000222.3 (MANE Select); coding-DNA position 2894, C replaced by T.
Protein change: p.Ser965Phe; replaces serine 965 with phenylalanine.
Molecular consequence: missense variant.
Genome position (GRCh38, 1-based): chr4:54,738,520, C>T. VCF-style: chr4-54738520-C-T. GRCh37 (hg19) VCF-style: chr4-55604686-C-T.
Other names: c.2882C>T, p.Ser961Phe (NM_001093772.2, NM_001385292.1); c.2897C>T, p.Ser966Phe (NM_001385284.1); c.2891C>T, p.Ser964Phe (NM_001385285.1); c.2879C>T, p.Ser960Phe (NM_001385286.1); c.2885C>T, p.Ser962Phe (NM_001385288.1); c.2894C>T, p.Ser965Phe (NM_001385290.1); short protein forms S961F, S965F, S960F, S962F, S964F, S966F.
Identifiers: ClinVar variation 657544 (VCV000657544.14), dbSNP rs201185750, ClinGen allele CA2923895.